The following is an entry in ClinVar:

NM_020433.5(JPH2):c.652G>A (p.Gly218Ser)

Gene: JPH2 (junctophilin 2; minus strand). Cytogenetic location: 20q13.12.
Variant type: single nucleotide variant.
Coding change: c.652G>A on transcript NM_020433.5 (MANE Select); coding-DNA position 652, G replaced by A.
Protein change: p.Gly218Ser; replaces glycine 218 with serine.
Molecular consequence: missense variant.
Genome position (GRCh38, 1-based): chr20:44,160,135, C>T on the plus strand (G>A on the coding strand, the complement: JPH2 is on the minus strand). VCF-style: chr20-44160135-C-T. GRCh37 (hg19) VCF-style: chr20-42788775-C-T.
Other names: short protein forms G218S.
Identifiers: ClinVar variation 1754073 (VCV001754073.2), dbSNP rs2072598641, ClinGen allele CA409093953.

ClinVar aggregate classification (germline): Uncertain significance (1 of 4 stars; one submission).

Conditions:
Cardiovascular phenotype. Identifiers: MedGen CN230736.

Submission:

Ambry Genetics
Classification: Uncertain significance for Cardiovascular phenotype. Last evaluated: 2022-05-02. Review status: criteria provided, single submitter. Criteria: Ambry Variant Classification Scheme 2023. Collection method: clinical testing. Allele origin: germline.
Comment: The p.G218S variant (also known as c.652G>A), located in coding exon 2 of the JPH2 gene, results from a G to A substitution at nucleotide position 652. The glycine at codon 218 is replaced by serine, an amino acid with similar properties. This amino acid position is conserved. In addition, this alteration is predicted to be tolerated by in silico analysis. Since supporting evidence is limited at this time, the clinical significance of this alteration remains unclear.